The following is an entry in ClinVar:

ClinVar aggregate classification (germline): Uncertain significance (1 of 4 stars; one submission).

Conditions:
Cardiovascular phenotype. Identifiers: MedGen CN230736.

gnomAD v4.1: 4 of 1,609,122 alleles (0.00025%); highest among the groups gnomAD compares: Admixed American, 0.0017%; no homozygotes.

Submission:

Ambry Genetics
Classification: Uncertain significance for Cardiovascular phenotype. Last evaluated: 2025-10-26. Review status: criteria provided, single submitter. Criteria: Ambry Variant Classification Scheme 2023. Collection method: clinical testing. Allele origin: germline.
Comment: The p.R140L variant (also known as c.419G>T), located in coding exon 4 of the TRPM4 gene, results from a G to T substitution at nucleotide position 419. The arginine at codon 140 is replaced by leucine, an amino acid with dissimilar properties. This amino acid position is conserved. In addition, this alteration is predicted to be tolerated by in silico analysis. Based on the available evidence, the clinical significance of this variant remains unclear.

NM_017636.4(TRPM4):c.419G>T (p.Arg140Leu)

Gene: TRPM4 (transient receptor potential cation channel subfamily M member 4; plus strand). Cytogenetic location: 19q13.33.
Variant type: single nucleotide variant.
Coding change: c.419G>T on transcript NM_017636.4 (MANE Select); coding-DNA position 419, G replaced by T.
Protein change: p.Arg140Leu; replaces arginine 140 with leucine.
Molecular consequence: missense variant. On other transcripts: intron variant (4).
Genome position (GRCh38, 1-based): chr19:49,168,068, G>T. VCF-style: chr19-49168068-G-T. GRCh37 (hg19) VCF-style: chr19-49671325-G-T.
Other names: c.419G>T, p.Arg140Leu (NM_001195227.2); c.-1105-192G>T (NM_001321282.2); c.268-485G>T (NM_001321281.2); c.-74-192G>T (NM_001321283.2); c.-237-485G>T (NM_001321285.2); short protein forms R140L.
Identifiers: ClinVar variation 4615258 (VCV004615258.1).
Genomic context (GRCh38, chr19:49,168,068, plus strand): 5'-CAGTGCTGGGGGGATCGGGGGGCCCCGTCCTCCAGACCTGGCTGCAGGACCTGCTGCGTC[G>T]TGGGCTGGTGCGGGCTGCCCAGAGCACAGGTGACCGAGGGTGGGTGGGGGCTGTCTCCTG-3'
Protein context (NP_060106.2, residues 130-150): LQTWLQDLLR[Arg140Leu]GLVRAAQSTG